The following is an entry in ClinVar:

ClinVar aggregate classification (germline): Uncertain significance (1 of 4 stars; one submission).

Conditions:
Hereditary cancer-predisposing syndrome. Also called: Neoplastic Syndromes, Hereditary; Tumor predisposition; Hereditary Cancer Syndrome; Hereditary neoplastic syndrome. Identifiers: Orphanet 140162, MedGen C0027672, MeSH D009386, MONDO:0015356.

Submission:

Color Diagnostics, LLC DBA Color Health
Classification: Uncertain significance for Hereditary cancer-predisposing syndrome. Last evaluated: 2024-03-07. Review status: criteria provided, single submitter. Criteria: ACMG Guidelines, 2015. Collection method: clinical testing. Allele origin: germline.
Comment: This missense variant replaces lysine with asparagine at codon 364 of the BMPR1A protein. Computational prediction suggests that this variant may have deleterious impact on protein structure and function (internally defined REVEL score threshold >= 0.7, PMID: 27666373). To our knowledge, functional studies have not been reported for this variant. This variant has not been reported in individuals affected with hereditary cancer in the literature. This variant has not been identified in the general population by the Genome Aggregation Database (gnomAD). The available evidence is insufficient to determine the role of this variant in disease conclusively. Therefore, this variant is classified as a Variant of Uncertain Significance.

NM_004329.3(BMPR1A):c.1092G>T (p.Lys364Asn)

Gene: BMPR1A (bone morphogenetic protein receptor type 1A; plus strand). Cytogenetic location: 10q23.2.
Variant type: single nucleotide variant.
Coding change: c.1092G>T on transcript NM_004329.3 (MANE Select); coding-DNA position 1092, G replaced by T.
Protein change: p.Lys364Asn; replaces lysine 364 with asparagine.
Molecular consequence: missense variant. On other transcripts: non-coding transcript variant (3).
Genome position (GRCh38, 1-based): chr10:86,919,395, G>T. VCF-style: chr10-86919395-G-T. GRCh37 (hg19) VCF-style: chr10-88679152-G-T.
Other names: c.1167G>T, p.Lys389Asn (NM_001406559.1); c.1140G>T, p.Lys380Asn (NM_001406560.1); c.1092G>T, p.Lys364Asn (NM_001406561.1, NM_001406562.1, NM_001406563.1 and 19 more transcripts); c.1086G>T, p.Lys362Asn (NM_001406583.1); c.1008G>T, p.Lys336Asn (NM_001406584.1, NM_001406585.1, NM_001406586.1 and 2 more transcripts); c.750G>T, p.Lys250Asn (NM_001406589.1); short protein forms K250N, K336N, K389N, K364N, K362N, K380N.
Identifiers: ClinVar variation 2774810 (VCV002774810.2), dbSNP rs2539622343, ClinGen allele CA377460841.
Genomic context (GRCh38, chr10:86,919,395, plus strand): 5'-CCTGCACACAGAAATTTATGGCACCCAAGGAAAGCCCGCAATTGCTCATCGAGACCTAAA[G>T]AGCAAAAACATCCTCATCAAGAAAAATGGGAGTTGCTGCATTGCTGACCTGGGCCTTGCT-3'
Protein context (NP_004320.2, residues 354-374): GKPAIAHRDL[Lys364Asn]SKNILIKKNG